The following is an entry in ClinVar:

NM_000258.3(MYL3):c.410dup (p.Arg138fs)

Gene: MYL3 (myosin light chain 3; minus strand). Cytogenetic location: 3p21.31.
Variant type: Duplication.
Coding change: c.410dup on transcript NM_000258.3 (MANE Select); coding-DNA position 410, one base duplicated (T; older notation c.410dupT).
Protein change: p.Arg138fs; shifts the reading frame from arginine 138.
Molecular consequence: frameshift variant.
Genome position (GRCh38, 1-based): chr3:46,859,546, A duplicated on the plus strand (T on the coding strand, the reverse complement: MYL3 is on the minus strand). VCF-style (leftmost placement, unchanged base first): chr3-46859545-C-CA. GRCh37 (hg19) VCF-style: chr3-46901035-C-CA.
Other names: c.410dupT (NM_000258.2); short protein forms R138fs.
Identifiers: ClinVar variation 582720 (VCV000582720.6), dbSNP rs745346844, ClinGen allele CA2359048.
Genomic context (GRCh38, chr3:46,859,545, plus strand): 5'-CAGCACGTGGCGAAGCTCAGCACCCATGACAGTGCCATTGCCCTCCTTGTCGAAGACCCG[C>CA]AGCCCCTCCACGAAGTCCTCATAGGTGCCTGTGTCCTTGTTCTTGGAAATGTGCTGGAGC-3'

ClinVar aggregate classification (germline): Uncertain significance (1 of 4 stars; one submission).

Conditions:
Hypertrophic cardiomyopathy. Also called: HYPERTROPHIC MYOCARDIOPATHY. Identifiers: Orphanet 217569, MedGen C0007194, MeSH D002312, MONDO:0005045, HP:0001639.

Allele frequency attached by ClinVar (database versions not stated): gnomAD exomes below 0.00001; ExAC 0.00001; gnomAD 0.00001; TOPMed 0.00001.

Submission:

Labcorp Genetics (formerly Invitae), Labcorp
Classification: Uncertain significance for Hypertrophic cardiomyopathy. Last evaluated: 2018-05-23. Review status: criteria provided, single submitter. Criteria: Invitae Variant Classification Sherloc (09022015). Collection method: clinical testing. Allele origin: germline.
Comment: In summary, the available evidence is currently insufficient to determine the role of this variant in disease. Therefore, it has been classified as a Variant of Uncertain Significance. This sequence change creates a premature translational stop signal (p.Arg138Alafs*15) in the MYL3 gene. It is expected to result in an absent or disrupted protein product. This variant is present in population databases (rs745346844, ExAC 0.01%). This variant has not been reported in the literature in individuals with MYL3-related disease. The current clinical and genetic evidence is not sufficient to establish whether loss-of-function variants in MYL3 cause disease.